The following is an entry in ClinVar:

NM_000883.4(IMPDH1):c.1171A>G (p.Thr391Ala)

Gene: IMPDH1 (inosine monophosphate dehydrogenase 1; minus strand). Cytogenetic location: 7q32.1.
Variant type: single nucleotide variant.
Coding change: c.1171A>G on transcript NM_000883.4 (MANE Select); coding-DNA position 1171, A replaced by G.
Protein change: p.Thr391Ala; replaces threonine 391 with alanine.
Molecular consequence: missense variant.
Genome position (GRCh38, 1-based): chr7:128,396,690, T>C on the plus strand (A>G on the coding strand, the complement: IMPDH1 is on the minus strand). VCF-style: chr7-128396690-T-C. GRCh37 (hg19) VCF-style: chr7-128036744-T-C.
Other names: c.1141A>G, p.Thr381Ala (NM_001102605.2); c.916A>G, p.Thr306Ala (NM_001142573.2); c.901A>G, p.Thr301Ala (NM_001142574.2); c.841A>G, p.Thr281Ala (NM_001142575.2); c.1072A>G, p.Thr358Ala (NM_001142576.2); c.964A>G, p.Thr322Ala (NM_001304521.2); c.1063A>G, p.Thr355Ala (NM_183243.3); short protein forms T322A, T358A, T301A, T391A, T281A, T355A, T381A, T306A.
Identifiers: ClinVar variation 1355640 (VCV001355640.8), dbSNP rs2116620192, ClinGen allele CA369165549.
Genomic context (GRCh38, chr7:128,396,690, plus strand): 5'-CCATGCCCACGCGCAGCCCGTCCACACCAGCATCAATCAGGTTCTTGGCCTGGGCTGCTG[T>C]CACCACTGGGGGTGGGGATGGGGCAGAGGAACAATGTGAGGATGGGATGCCCCTGCCTGC-3'
Protein context (NP_000874.2, residues 381-401): HLQVIGGNVV[Thr391Ala]AAQAKNLIDA

ClinVar aggregate classification (germline): Uncertain significance (1 of 4 stars; one submission).

Submission:

Labcorp Genetics (formerly Invitae), Labcorp
Classification: Uncertain significance. Last evaluated: 2025-02-03. Review status: criteria provided, single submitter. Criteria: Invitae Variant Classification Sherloc (09022015). Collection method: clinical testing. Allele origin: germline.
Comment: This sequence change replaces threonine, which is neutral and polar, with alanine, which is neutral and non-polar, at codon 391 of the IMPDH1 protein (p.Thr391Ala). This variant is not present in population databases (gnomAD no frequency). This variant has not been reported in the literature in individuals affected with IMPDH1-related conditions. ClinVar contains an entry for this variant (Variation ID: 1355640). An algorithm developed to predict the effect of missense changes on protein structure and function (PolyPhen-2) suggests that this variant is likely to be disruptive. In summary, the available evidence is currently insufficient to determine the role of this variant in disease. Therefore, it has been classified as a Variant of Uncertain Significance.